The following is an entry in ClinVar:

NM_002497.4(NEK2):c.660C>A (p.Ser220Arg)

Gene: NEK2 (NIMA related kinase 2; minus strand). Cytogenetic location: 1q32.3.
Variant type: single nucleotide variant.
Coding change: c.660C>A on transcript NM_002497.4 (MANE Select); coding-DNA position 660, C replaced by A.
Protein change: p.Ser220Arg; replaces serine 220 with arginine.
Molecular consequence: missense variant.
Genome position (GRCh38, 1-based): chr1:211,670,386, G>T on the plus strand (C>A on the coding strand, the complement: NEK2 is on the minus strand). VCF-style: chr1-211670386-G-T. GRCh37 (hg19) VCF-style: chr1-211843728-G-T.
Other names: c.660C>A, p.Ser220Arg (NM_001204182.2, NM_001204183.2); short protein forms S220R.
Identifiers: ClinVar variation 2082834 (VCV002082834.4), dbSNP rs1655334761, ClinGen allele CA344780181.

ClinVar aggregate classification (germline): Uncertain significance (1 of 4 stars; one submission).

Allele frequency attached by ClinVar (database versions not stated): TOPMed 0.00001.

Submission:

Labcorp Genetics (formerly Invitae), Labcorp
Classification: Uncertain significance. Last evaluated: 2024-01-24. Review status: criteria provided, single submitter. Criteria: Invitae Variant Classification Sherloc (09022015). Collection method: clinical testing. Allele origin: germline.
Comment: This sequence change replaces serine, which is neutral and polar, with arginine, which is basic and polar, at codon 220 of the NEK2 protein (p.Ser220Arg). This variant is not present in population databases (gnomAD no frequency). This variant has not been reported in the literature in individuals affected with NEK2-related conditions. ClinVar contains an entry for this variant (Variation ID: 2082834). An algorithm developed to predict the effect of missense changes on protein structure and function (PolyPhen-2) suggests that this variant is likely to be tolerated. In summary, the available evidence is currently insufficient to determine the role of this variant in disease. Therefore, it has been classified as a Variant of Uncertain Significance.